The following is an entry in ClinVar:

ClinVar aggregate classification (germline): Uncertain significance. Review status: criteria provided, multiple submitters, no conflicts (2 of 4 stars). 2 submissions from 2 submitters: Uncertain significance (2). Last evaluated 2025-03-18.

Conditions:
Imerslund-Grasbeck syndrome. Also called: ENTEROCYTE COBALAMIN MALABSORPTION; ENTEROCYTE INTRINSIC FACTOR RECEPTOR, DEFECT OF; PERNICIOUS ANEMIA, JUVENILE, DUE TO SELECTIVE INTESTINAL MALABSORPTION OF VITAMIN B12, WITH PROTEINURIA; Megaloblastic anemia due to inborn errors of metabolism; Imerslund-Gräsbeck syndrome. Identifiers: Orphanet 35858, MedGen C4551825, MONDO:0009853.
Imerslund-Grasbeck syndrome type 1 (IGS1). Also called: MEGALOBLASTIC ANEMIA, 1; Megaloblastic anemia 1, Finnish type; Imerslund-Gräsbeck syndrome 1. Identifiers: MedGen C4016819, MONDO:0100156, OMIM 261100.
Proteinuria, chronic benign. Identifiers: MedGen C5394384, MONDO:0030042, OMIM 618884.

gnomAD v4.1: 19 of 1,612,878 alleles (0.0012%); highest among the groups gnomAD compares: African/African-American, 0.025%; no homozygotes.

Submissions (2):

Labcorp Genetics (formerly Invitae), Labcorp
Classification: Uncertain significance for Imerslund-Grasbeck syndrome. Last evaluated: 2025-03-18. Review status: criteria provided, single submitter. Criteria: Invitae Variant Classification Sherloc (09022015). Collection method: clinical testing. Allele origin: germline.
Comment: This sequence change replaces cysteine, which is neutral and slightly polar, with arginine, which is basic and polar, at codon 2860 of the CUBN protein (p.Cys2860Arg). This variant is present in population databases (rs138719573, gnomAD 0.04%). This variant has not been reported in the literature in individuals affected with CUBN-related conditions. ClinVar contains an entry for this variant (Variation ID: 3592176). Invitae Evidence Modeling of protein sequence and biophysical properties (such as structural, functional, and spatial information, amino acid conservation, physicochemical variation, residue mobility, and thermodynamic stability) indicates that this missense variant is expected to disrupt CUBN protein function with a positive predictive value of 80%. In summary, the available evidence is currently insufficient to determine the role of this variant in disease. Therefore, it has been classified as a Variant of Uncertain Significance.

Fulgent Genetics
Classification: Uncertain significance for Imerslund-Grasbeck syndrome type 1; Proteinuria, chronic benign. Last evaluated: 2024-01-13. Review status: criteria provided, single submitter. Criteria: ACMG Guidelines, 2015. Collection method: clinical testing. Allele origin: germline.

NM_001081.4(CUBN):c.8578T>C (p.Cys2860Arg)

Gene: CUBN (cubilin; minus strand). Cytogenetic location: 10p13.
Variant type: single nucleotide variant.
Coding change: c.8578T>C on transcript NM_001081.4 (MANE Select); coding-DNA position 8578, T replaced by C.
Protein change: p.Cys2860Arg; replaces cysteine 2860 with arginine.
Molecular consequence: missense variant.
Genome position (GRCh38, 1-based): chr10:16,899,016, A>G on the plus strand (T>C on the coding strand, the complement: CUBN is on the minus strand). VCF-style: chr10-16899016-A-G. GRCh37 (hg19) VCF-style: chr10-16941015-A-G.
Other names: short protein forms C2860R.
Identifiers: ClinVar variation 3592176 (VCV003592176.2).